The following is an entry in ClinVar:

NM_138694.4(PKHD1):c.6854G>A (p.Gly2285Glu)

Gene: PKHD1 (PKHD1 ciliary IPT domain containing fibrocystin/polyductin; minus strand). Cytogenetic location: 6p12.2.
Variant type: single nucleotide variant.
Coding change: c.6854G>A on transcript NM_138694.4 (MANE Select); coding-DNA position 6854, G replaced by A.
Protein change: p.Gly2285Glu; replaces glycine 2285 with glutamic acid.
Molecular consequence: missense variant.
Genome position (GRCh38, 1-based): chr6:51,903,997, C>T on the plus strand (G>A on the coding strand, the complement: PKHD1 is on the minus strand). VCF-style: chr6-51903997-C-T. GRCh37 (hg19) VCF-style: chr6-51768795-C-T.
Other names: p.Gly2285Glu; c.6854G>A, p.Gly2285Glu (NM_170724.3); short protein forms G2285E.
Identifiers: ClinVar variation 197475 (VCV000197475.80), dbSNP rs142526715, ClinGen allele CA275271.
Genomic context (GRCh38, chr6:51,903,997, plus strand): 5'-ACAATTTTAAATACACTGTAATAGATTTAAAATCAATTTACATATTTACCATCTTTCCTT[C>T]CATGAATTGCCTCCCAGGAGATATATCTCATCTCCGTGCATGTCCCTGAGAACAAAAGAC-3'
Protein context (NP_619639.3, residues 2275-2295): MRYISWEAIH[Gly2285Glu]RKDDWSGHGN

ClinVar aggregate classification (germline): Conflicting classifications of pathogenicity. Review status: criteria provided, conflicting classifications (1 of 4 stars). 19 submissions from 19 submitters: Uncertain significance (9); Likely benign (4). 6 of the submissions do not count toward it. Last evaluated 2026-07-31.

Conditions:
PKHD1-related disorder. Also called: PKHD1-related condition.
Autosomal dominant polycystic liver disease. Also called: Polycystic liver disease; Congenital cystic disease of liver. Identifiers: Orphanet 2924, MedGen C0158683, MONDO:0000447, HP:0006557.
Polycystic kidney disease 4 (PKD4). Also called: POLYCYSTIC KIDNEY AND HEPATIC DISEASE 1; POLYCYSTIC KIDNEY DISEASE, INFANTILE, TYPE I; POLYCYSTIC KIDNEY DISEASE 4 WITH OR WITHOUT POLYCYSTIC LIVER DISEASE; PKD3; Autosomal Recessive Polycystic Kidney Disease – PKHD1. Identifiers: MedGen C4540575, MONDO:0033004, OMIM 263200.
Autosomal recessive polycystic kidney disease (ARPKD). Also called: AR polycystic kidney disease. Identifiers: Orphanet 731, Orphanet 8378, MedGen C0085548, MeSH D017044, MONDO:0009889.
Renal cyst. Also called: Cystic kidney disease; Renal cysts; cystic kidneys. Identifiers: MedGen C3887499, MONDO:0002473, HP:0000107.

Allele frequency attached by ClinVar (database versions not stated): 1000 Genomes Project 0.00080; 1000 Genomes Project 30x 0.00094; TOPMed 0.00126; gnomAD exomes 0.00129 and 0.00202; gnomAD 0.00137 and 0.00145; ExAC 0.00156; ESP Exome Variant Server 0.00192.
gnomAD v4.1: 3,084 of 1,582,398 alleles (0.19%); highest among the groups gnomAD compares: Non-Finnish European, 0.25%; 6 homozygotes.

Submissions (19):

Myriad Genetics, Inc.
Classification: Uncertain significance for Polycystic kidney disease 4. Last evaluated: 2026-07-31. Review status: criteria provided, single submitter. Criteria: Myriad Autosomal Dominant, Autosomal Recessive and X-Linked Classification Criteria (2023). Collection method: clinical testing. Allele origin: unknown.
Comment: NM_138694.3(PKHD1):c.6854G>A(G2285E) is a missense variant classified as a variant of uncertain significance in the context of autosomal recessive polycystic kidney disease, PKHD1-related. G2285E has been observed in a case with relevant disease (PMID: 16523049). Relevant functional assessments of this variant are not available in the literature. G2285E has been observed in referenced population frequency databases. In summary, there is insufficient evidence to classify NM_138694.3(PKHD1):c.6854G>A(G2285E) as pathogenic or benign. Please note: this variant was assessed in the context of healthy population screening.

CeGaT Center for Human Genetics Tuebingen
Classification: Likely benign. Last evaluated: 2026-04-01. Review status: criteria provided, single submitter. Criteria: CeGaT Center For Human Genetics Tuebingen Variant Classification Criteria Version 2. Collection method: clinical testing. Allele origin: germline. Affected: yes. Observed: 3 variant alleles.
Comment: PKHD1: BP4

Labcorp Genetics (formerly Invitae), Labcorp
Classification: Likely benign for Autosomal recessive polycystic kidney disease. Last evaluated: 2026-02-04. Review status: criteria provided, single submitter. Criteria: Invitae Variant Classification Sherloc (09022015). Collection method: clinical testing. Allele origin: germline.

Blueprint Genetics
Classification: Likely benign. Last evaluated: 2024-11-13. Review status: criteria provided, single submitter. Criteria: ACMG Guidelines, 2015. Collection method: clinical testing. Allele origin: germline.

Mayo Clinic Laboratories, Mayo Clinic
Classification: Uncertain significance. Last evaluated: 2024-11-08. Review status: criteria provided, single submitter. Criteria: ACMG Guidelines, 2015. Collection method: clinical testing. Allele origin: germline. Observed: 2 variant alleles.
Comment: BS2, BP4, PM2_supporting

GeneDx
Classification: Uncertain significance. Last evaluated: 2024-06-03. Review status: criteria provided, single submitter. Criteria: GeneDx Variant Classification Process June 2021. Collection method: clinical testing. Allele origin: germline. Affected: yes.
Comment: In silico analysis indicates that this missense variant does not alter protein structure/function; This variant is associated with the following publications: (PMID: 24109560, 29642553, 21228398, 15805161, 16523049)

Women's Health and Genetics/Laboratory Corporation of America, LabCorp
Classification: Uncertain significance. Last evaluated: 2022-07-12. Review status: criteria provided, single submitter. Criteria: LabCorp Variant Classification Summary - May 2015. Collection method: clinical testing. Allele origin: germline.
Comment: Variant summary: PKHD1 c.6854G>A (p.Gly2285Glu) results in a non-conservative amino acid change located in the right handed beta helix domain (IPR039448) of the encoded protein sequence. Four of five in-silico tools predict a benign effect of the variant on protein function. The variant allele was found at a frequency of 0.0013 in 250680 control chromosomes (gnomAD and Sharp_2005). This frequency is not significantly higher than estimated for a pathogenic variant in PKHD1 causing Polycystic Kidney And Hepatic Disease (0.0013 vs 0.0071), allowing no conclusion about variant significance. c.6854G>A has been reported in the literature in the compound heterozygous state in an individual affected with a milder, predominant biliary phenotype of polycystic kidney disease (Adeva_2006). These data do not allow any conclusion about variant significance. To our knowledge, no experimental evidence demonstrating an impact on protein function has been reported. Eight submitters have provided clinical-significance assessments for this variant to ClinVar after 2014 with conflicting assessments (VUS n=5, likely benign n=3). Based on the evidence outlined above, the variant was classified as uncertain significance.

Cambridge Genomics Laboratory, East Genomic Laboratory Hub, NHS Genomic Medicine Service
Classification: Uncertain significance for Renal cyst. Last evaluated: 2020-04-11. Review status: criteria provided, single submitter. Criteria: ACGS Best Practice Guidelines for Variant Classification in Rare Disease 2020. Collection method: clinical testing. Allele origin: germline. Affected: yes. Observed: 1 variant allele.

Department of Pathology and Laboratory Medicine, Sinai Health System
Classification: Uncertain significance for Polycystic kidney disease 4. Last evaluated: 2020-01-08. Review status: criteria provided, single submitter. Criteria: ACMG Guidelines, 2015. Collection method: clinical testing. Allele origin: germline. Affected: yes.

Fulgent Genetics
Classification: Uncertain significance for Polycystic kidney disease 4. Last evaluated: 2018-10-31. Review status: criteria provided, single submitter. Criteria: ACMG Guidelines, 2015. Collection method: clinical testing. Allele origin: unknown.

Eurofins Ntd Llc (ga)
Classification: Uncertain significance. Last evaluated: 2018-05-30. Review status: criteria provided, single submitter. Criteria: EGL ClinVar v180209 classification definitions. Collection method: clinical testing. Allele origin: germline. Observed: 23 variant alleles, 23 heterozygotes.

Illumina Laboratory Services, Illumina
Classification: Likely benign for Polycystic kidney disease 4. Last evaluated: 2017-04-27. Review status: criteria provided, single submitter. Criteria: ICSL Variant Classification Criteria 13 December 2019. Collection method: clinical testing. Allele origin: germline.
Comment: This variant was observed as part of a predisposition screen in an ostensibly healthy population. A literature search was performed for the gene, cDNA change, and amino acid change (where applicable). No publications were found based on this search. Allele frequency data from public databases allowed determination this variant is unlikely to cause disease. Therefore, this variant is classified as likely benign.

Center for Pediatric Genomic Medicine, Children's Mercy Hospital and Clinics
Classification: Uncertain significance. Last evaluated: 2015-02-11. Review status: criteria provided, single submitter. Criteria: ACMG Guidelines, 2015. Collection method: clinical testing. Allele origin: germline.
ClinVar note: Converted during submission from Uncertain Significance to Uncertain significance.

PreventionGenetics, part of Exact Sciences
Classification: Likely benign for PKHD1-related condition. Last evaluated: 2023-09-15. Review status: no assertion criteria provided. Collection method: clinical testing. Allele origin: germline. Not counted in ClinVar's aggregate classification.
Comment: This variant is classified as likely benign based on ACMG/AMP sequence variant interpretation guidelines (Richards et al. 2015 PMID: 25741868, with internal and published modifications).

Laboratory of Gastroenterology and Hepatology, Radboud University Medical Center
Classification: Likely benign for Autosomal dominant polycystic liver disease. Last evaluated: 2021-09-01. Review status: no assertion criteria provided. Collection method: research. Allele origin: germline. Affected: yes. Not counted in ClinVar's aggregate classification.

Natera, Inc.
Classification: Uncertain significance for Autosomal recessive polycystic kidney disease. Last evaluated: 2019-12-19. Review status: no assertion criteria provided. Collection method: clinical testing. Allele origin: germline. Not counted in ClinVar's aggregate classification.

Clinical Genetics DNA and cytogenetics Diagnostics Lab, Erasmus MC, Erasmus Medical Center
Classification: Likely benign. Review status: no assertion criteria provided. Collection method: clinical testing. Allele origin: germline. Affected: yes. Study: VKGL Data-share Consensus. Not counted in ClinVar's aggregate classification.

Diagnostic Laboratory, Department of Genetics, University Medical Center Groningen
Classification: Likely benign. Review status: no assertion criteria provided. Collection method: clinical testing. Allele origin: germline. Affected: yes. Study: VKGL Data-share Consensus. Not counted in ClinVar's aggregate classification.

Genome Diagnostics Laboratory, University Medical Center Utrecht
Classification: Likely benign. Review status: no assertion criteria provided. Collection method: clinical testing. Allele origin: germline. Affected: yes. Study: VKGL Data-share Consensus. Not counted in ClinVar's aggregate classification.

Literature cited by the submitters: PubMed 16523049 (cited by 3 submitters); PubMed 15805161 (cited by 3 submitters); PubMed 26489027 (cited by Mayo Clinic Laboratories, Mayo Clinic and Women's Health and Genetics/Laboratory Corporation of America, LabCorp).